The following is an entry in ClinVar:

ClinVar aggregate classification (germline): Likely benign (0 of 4 stars; one submission).

Conditions:
GTPBP3-related disorder. Also called: GTPBP3-related condition.

gnomAD v4.1: 3 of 1,589,086 alleles (0.00019%); highest among the groups gnomAD compares: East Asian, 0.0022%; no homozygotes.

Submission:

PreventionGenetics, part of Exact Sciences
Classification: Likely benign for GTPBP3-related condition. Last evaluated: 2019-04-24. Review status: no assertion criteria provided. Collection method: clinical testing. Allele origin: germline.
Comment: This variant is classified as likely benign based on ACMG/AMP sequence variant interpretation guidelines (Richards et al. 2015 PMID: 25741868, with internal and published modifications).

NM_032620.4(GTPBP3):c.592-6C>T

Gene: GTPBP3 (GTP binding protein 3, mitochondrial; plus strand). Cytogenetic location: 19p13.11.
Variant type: single nucleotide variant.
Coding change: c.592-6C>T on transcript NM_032620.4 (MANE Select); 6 bases into the intron before coding-DNA position 592, C replaced by T.
Molecular consequence: intron variant.
Genome position (GRCh38, 1-based): chr19:17,338,948, C>T. VCF-style: chr19-17338948-C-T. GRCh37 (hg19) VCF-style: chr19-17449757-C-T.
Other names: c.658-6C>T (NM_001195422.1); c.592-6C>T (NM_133644.4, NM_001128855.3).
Identifiers: ClinVar variation 3047899 (VCV003047899.2), dbSNP rs746411419, ClinGen allele CA632134133.